The following is an entry in ClinVar:

ClinVar aggregate classification (germline): Uncertain significance (1 of 4 stars; one submission).

Submission:

Labcorp Genetics (formerly Invitae), Labcorp
Classification: Uncertain significance. Last evaluated: 2021-12-02. Review status: criteria provided, single submitter. Criteria: Invitae Variant Classification Sherloc (09022015). Collection method: clinical testing. Allele origin: germline.
Comment: In summary, the available evidence is currently insufficient to determine the role of this variant in disease. Therefore, it has been classified as a Variant of Uncertain Significance. Algorithms developed to predict the effect of missense changes on protein structure and function (SIFT, PolyPhen-2, Align-GVGD) all suggest that this variant is likely to be tolerated. This variant has not been reported in the literature in individuals affected with ZSWIM6-related conditions. This variant is not present in population databases (gnomAD no frequency). This sequence change replaces histidine, which is basic and polar, with leucine, which is neutral and non-polar, at codon 525 of the ZSWIM6 protein (p.His525Leu).

NM_020928.2(ZSWIM6):c.1574A>T (p.His525Leu)

Gene: ZSWIM6 (zinc finger SWIM-type containing 6; plus strand). Cytogenetic location: 5q12.1.
Variant type: single nucleotide variant.
Coding change: c.1574A>T on transcript NM_020928.2 (MANE Select); coding-DNA position 1574, A replaced by T.
Protein change: p.His525Leu; replaces histidine 525 with leucine.
Molecular consequence: missense variant.
Genome position (GRCh38, 1-based): chr5:61,525,860, A>T. VCF-style: chr5-61525860-A-T. GRCh37 (hg19) VCF-style: chr5-60821687-A-T.
Other names: short protein forms H525L.
Identifiers: ClinVar variation 1371069 (VCV001371069.6), dbSNP rs2112268125, ClinGen allele CA359943359.